The following is an entry in ClinVar:

NM_005222.4(DLX6):c.134CGC[8] (p.Pro53del)

Genes: DLX6 (distal-less homeobox 6; plus strand), DLX6-AS1 (DLX6 antisense RNA 1; minus strand). Cytogenetic location: 7q21.3.
Variant type: Microsatellite.
Coding change: c.134CGC[8] on transcript NM_005222.4 (MANE Select); eight copies in a row of the 3-base unit CGC starting at c.134; the reference has nine copies in a row; one copy, 3 bases deleted.
Protein change: p.Pro53del; deletes proline 53.
Molecular consequence: inframe deletion.
Genome position (GRCh38, 1-based): chr7:97,006,135-97,006,137, CGC deleted; deleting any 3 consecutive bases within chr7:97,006,109-97,006,137 gives the same sequence; the position shown is the placement nearest the transcript's 3' end. VCF-style (leftmost placement, unchanged base first): chr7-97006108-AGCC-A. GRCh37 (hg19) VCF-style: chr7-96635420-AGCC-A.
Other names: c.158_160delCGC (NM_005222.3); short protein forms P53del.
Identifiers: ClinVar variation 1600917 (VCV001600917.10), dbSNP rs559903070, ClinGen allele CA4353717.

ClinVar aggregate classification (germline): Benign. Review status: criteria provided, single submitter (1 of 4 stars). 2 submissions from 2 submitters: Benign (1). 1 of the submissions does not count toward it. Last evaluated 2024-01-22.

Conditions:
DLX6-related disorder. Also called: DLX6-related condition.

Submissions (2):

Labcorp Genetics (formerly Invitae), Labcorp
Classification: Benign. Last evaluated: 2024-01-22. Review status: criteria provided, single submitter. Criteria: Invitae Variant Classification Sherloc (09022015). Collection method: clinical testing. Allele origin: germline.

PreventionGenetics, part of Exact Sciences
Classification: Likely benign for DLX6-related condition. Last evaluated: 2020-09-10. Review status: no assertion criteria provided. Collection method: clinical testing. Allele origin: germline. Not counted in ClinVar's aggregate classification.
Comment: This variant is classified as likely benign based on ACMG/AMP sequence variant interpretation guidelines (Richards et al. 2015 PMID: 25741868, with internal and published modifications).